The following is an entry in ClinVar:

NM_152296.5(ATP1A3):c.1709C>T (p.Thr570Met)

Gene: ATP1A3 (ATPase Na+/K+ transporting subunit alpha 3; minus strand). Cytogenetic location: 19q13.2.
Variant type: single nucleotide variant.
Coding change: c.1709C>T on transcript NM_152296.5 (MANE Select); coding-DNA position 1709, C replaced by T.
Protein change: p.Thr570Met; replaces threonine 570 with methionine.
Molecular consequence: missense variant.
Genome position (GRCh38, 1-based): chr19:41,978,248, G>A on the plus strand (C>T on the coding strand, the complement: ATP1A3 is on the minus strand). VCF-style: chr19-41978248-G-A. GRCh37 (hg19) VCF-style: chr19-42482400-G-A.
Other names: c.1742C>T, p.Thr581Met (NM_001256213.2); c.1748C>T, p.Thr583Met (NM_001256214.2); short protein forms T570M, T581M, T583M.
Identifiers: ClinVar variation 1176077 (VCV001176077.36), dbSNP rs2075193100, ClinGen allele CA406045774.
Genomic context (GRCh38, chr19:41,978,248, plus strand): 5'-GGGACGGCTGCCCGGGGTGGGTCGATCATGGACATGAGGCCCACAAAGCAGAGGTTGTCC[G>A]TGGTGAAGTTCACGTCATCACAGTCGAAGGCAAAGCCCTTGGGGAACTGCTCCTCGGGCA-3'
Protein context (NP_689509.1, residues 560-580): AFDCDDVNFT[Thr570Met]DNLCFVGLMS

ClinVar aggregate classification (germline): Uncertain significance. Review status: criteria provided, multiple submitters, no conflicts (2 of 4 stars). 2 submissions from 2 submitters: Uncertain significance (2). Last evaluated 2025-08-02.

Conditions:
Dystonia 12 (DYT12). Also called: Rapid-Onset Dystonia-Parkinsonism (RDP); DYT-ATP1A3. Identifiers: Orphanet 71517, MedGen C1868681, MONDO:0007496, OMIM 128235.

Allele frequency attached by ClinVar (database versions not stated): TOPMed below 0.00001.

Submissions (2):

Labcorp Genetics (formerly Invitae), Labcorp
Classification: Uncertain significance for Dystonia 12. Last evaluated: 2025-08-02. Review status: criteria provided, single submitter. Criteria: Invitae Variant Classification Sherloc (09022015). Collection method: clinical testing. Allele origin: germline.
Comment: This sequence change replaces threonine, which is neutral and polar, with methionine, which is neutral and non-polar, at codon 570 of the ATP1A3 protein (p.Thr570Met). This variant is not present in population databases (gnomAD no frequency). This variant has not been reported in the literature in individuals affected with ATP1A3-related conditions. ClinVar contains an entry for this variant (Variation ID: 1176077). Invitae Evidence Modeling of protein sequence and biophysical properties (such as structural, functional, and spatial information, amino acid conservation, physicochemical variation, residue mobility, and thermodynamic stability) has been performed for this missense variant. However, the output from this modeling did not meet the statistical confidence thresholds required to predict the impact of this variant on ATP1A3 protein function. In summary, the available evidence is currently insufficient to determine the role of this variant in disease. Therefore, it has been classified as a Variant of Uncertain Significance.

CeGaT Center for Human Genetics Tuebingen
Classification: Uncertain significance. Last evaluated: 2021-04-01. Review status: criteria provided, single submitter. Criteria: CeGaT Center For Human Genetics Tuebingen Variant Classification Criteria Version 2. Collection method: clinical testing. Allele origin: germline. Affected: yes. Observed: 1 variant allele.